The following is an entry in ClinVar:

ClinVar aggregate classification (germline): Uncertain significance (1 of 4 stars; one submission).

Conditions:
Ataxia-telangiectasia syndrome (AT). Also called: Ataxia-telangiectasia, complementation group D; AT, COMPLEMENTATION GROUP C; Ataxia telangiectasia (A-T); Cerebello-oculocutaneous telangiectasia; Immunodeficiency with ataxia telangiectasia; ATAXIA-TELANGIECTASIA, COMPLEMENTATION GROUP A. Identifiers: Orphanet 100, MedGen C0004135, MONDO:0008840, OMIM 208900.

Submission:

Labcorp Genetics (formerly Invitae), Labcorp
Classification: Uncertain significance for Ataxia-telangiectasia syndrome. Last evaluated: 2018-10-29. Review status: criteria provided, single submitter. Criteria: Invitae Variant Classification Sherloc (09022015). Collection method: clinical testing. Allele origin: germline.
Comment: This sequence change replaces leucine with proline at codon 1439 of the ATM protein (p.Leu1439Pro). The leucine residue is highly conserved and there is a moderate physicochemical difference between leucine and proline. In summary, the available evidence is currently insufficient to determine the role of this variant in disease. Therefore, it has been classified as a Variant of Uncertain Significance. Algorithms developed to predict the effect of missense changes on protein structure and function (SIFT, PolyPhen-2, Align-GVGD) all suggest that this variant is likely to be disruptive, but these predictions have not been confirmed by published functional studies and their clinical significance is uncertain. This variant has not been reported in the literature in individuals with ATM-related disease. This variant is not present in population databases (ExAC no frequency).

NM_000051.4(ATM):c.4316T>C (p.Leu1439Pro)

Gene: ATM (ATM serine/threonine kinase; plus strand). Cytogenetic location: 11q22.3.
Variant type: single nucleotide variant.
Coding change: c.4316T>C on transcript NM_000051.4 (MANE Select); coding-DNA position 4316, T replaced by C.
Protein change: p.Leu1439Pro; replaces leucine 1439 with proline.
Molecular consequence: missense variant.
Genome position (GRCh38, 1-based): chr11:108,289,681, T>C. VCF-style: chr11-108289681-T-C. GRCh37 (hg19) VCF-style: chr11-108160408-T-C.
Other names: c.4316T>C, p.Leu1439Pro (NM_001351834.2); short protein forms L1439P.
Identifiers: ClinVar variation 661364 (VCV000661364.8), dbSNP rs1591663032, ClinGen allele CA382531778.